The following is an entry in ClinVar:

ClinVar aggregate classification (germline): Benign/Likely benign. Review status: criteria provided, multiple submitters, no conflicts (2 of 4 stars). 5 submissions from 5 submitters: Benign (2); Likely benign (2). 1 of the submissions does not count toward it. Last evaluated 2026-01-25.

Conditions:
Neurohypophyseal diabetes insipidus. Also called: DIABETES INSIPIDUS, PRIMARY CENTRAL; Hereditary arginine vasopressin deficiency; Diabetes Insipidus, Neurogenic. Identifiers: Orphanet 178029, Orphanet 30925, MedGen C0342394, MONDO:0007450, OMIM 125700.
AVP-related disorder. Also called: AVP-related condition.

Allele frequency attached by ClinVar (database versions not stated): gnomAD exomes 0.00047; ExAC 0.00145; ESP Exome Variant Server 0.00152; 1000 Genomes Project 30x 0.00203; 1000 Genomes Project 0.00220; gnomAD 0.00257 and 0.00284; TOPMed 0.00339.

Submissions (5):

Labcorp Genetics (formerly Invitae), Labcorp
Classification: Benign. Last evaluated: 2026-01-25. Review status: criteria provided, single submitter. Criteria: Invitae Variant Classification Sherloc (09022015). Collection method: clinical testing. Allele origin: germline.

Blueprint Genetics
Classification: Likely benign. Last evaluated: 2024-11-01. Review status: criteria provided, single submitter. Criteria: ACMG Guidelines, 2015. Collection method: clinical testing. Allele origin: germline.

Fulgent Genetics
Classification: Likely benign for Neurohypophyseal diabetes insipidus. Last evaluated: 2021-07-19. Review status: criteria provided, single submitter. Criteria: ACMG Guidelines, 2015. Collection method: clinical testing. Allele origin: unknown.

Breakthrough Genomics
Classification: Benign. Review status: criteria provided, single submitter. Criteria: ACMG Guidelines, 2015. Collection method: not provided. Allele origin: germline. Inheritance: Autosomal dominant inheritance. Affected: yes.

PreventionGenetics, part of Exact Sciences
Classification: Benign for AVP-related condition. Last evaluated: 2021-03-21. Review status: no assertion criteria provided. Collection method: clinical testing. Allele origin: germline. Not counted in ClinVar's aggregate classification.
Comment: This variant is classified as benign based on ACMG/AMP sequence variant interpretation guidelines (Richards et al. 2015 PMID: 25741868, with internal and published modifications).

NM_000490.5(AVP):c.150C>A (p.Gly50=)

Gene: AVP (arginine vasopressin; minus strand). Cytogenetic location: 20p13.
Variant type: single nucleotide variant.
Coding change: c.150C>A on transcript NM_000490.5 (MANE Select); coding-DNA position 150, C replaced by A.
Protein change: p.Gly50=; no amino-acid change (glycine 50 retained).
Molecular consequence: synonymous variant.
Genome position (GRCh38, 1-based): chr20:3,083,149, G>T on the plus strand (C>A on the coding strand, the complement: AVP is on the minus strand). VCF-style: chr20-3083149-G-T. GRCh37 (hg19) VCF-style: chr20-3063795-G-T.
Identifiers: ClinVar variation 724217 (VCV000724217.14), dbSNP rs371697622, ClinGen allele CA9739465.